The following is an entry in ClinVar:

ClinVar aggregate classification (germline): Conflicting classifications of pathogenicity. Review status: criteria provided, conflicting classifications (1 of 4 stars). 6 submissions from 6 submitters: Uncertain significance (3); Likely benign (2). 1 of the submissions does not count toward it. Last evaluated 2025-08-29.

Conditions:
CASQ2-related disorder. Also called: CASQ2-related condition.
Cardiovascular phenotype. Identifiers: MedGen CN230736.
Catecholaminergic polymorphic ventricular tachycardia 1. Also called: VENTRICULAR TACHYCARDIA, CATECHOLAMINERGIC POLYMORPHIC, 1, WITH OR WITHOUT ATRIAL DYSFUNCTION AND/OR DILATED CARDIOMYOPATHY; RYR2-Related Catecholaminergic Polymorphic Ventricular Tachycardia; VENTRICULAR TACHYCARDIA, STRESS-INDUCED POLYMORPHIC 1. Identifiers: Orphanet 3286, MedGen C1631597, MONDO:0011484, OMIM 604772.

Allele frequency attached by ClinVar (database versions not stated): gnomAD 0.00076; TOPMed 0.00022; ESP Exome Variant Server 0.00031.
gnomAD v4.1: 501 of 1,613,908 alleles (0.031%); highest among the groups gnomAD compares: Non-Finnish European, 0.035%; no homozygotes.

Submissions (6):

Women's Health and Genetics/Laboratory Corporation of America, LabCorp
Classification: Likely benign. Last evaluated: 2025-08-29. Review status: criteria provided, single submitter. Criteria: LabCorp Variant Classification Summary - May 2015. Collection method: clinical testing. Allele origin: germline.
Comment: Variant summary: CASQ2 c.481A>G (p.Ile161Val) results in a conservative amino acid change located in the Calsequestrin, middle TRX-fold domain (IPR041858) of the encoded protein sequence. Algorithms developed to predict the effect of missense changes on protein structure and function are either unavailable or do not agree on the potential impact of this missense change. The variant allele was found at a frequency of 0.00044 in 282840 control chromosomes, predominantly at a frequency of 0.00074 within the Non-Finnish European subpopulation in the gnomAD database. This frequency is not significantly higher than estimated for disease-causing variants in CASQ2, allowing no conclusion about variant significance. However, the variant was reported in certain European subpopulations with higher allele frequencies, e.g. in the Estonian and Swedish (with an allele frequency of 0.0033 and 0.0018, respectively), suggesting that the variant might be a benign polymorphism. The variant, c.481A>G, has been observed in cohorts of individuals with and without cardiac phenotypes (e.g. Jaaskelainen_2019, Miles_2019, Landstrom_2017), and no supportive evidence for causality was reported. These reports do not provide unequivocal conclusions about association of the variant with Catecholaminergic Polymorphic Ventricular Tachycardia. To our knowledge, no experimental evidence demonstrating an impact on protein function has been reported. The following publications have been ascertained in the context of this evaluation (PMID: 28404607, 30775854, 30700137). ClinVar contains an entry for this variant (Variation ID: 44167). Based on the evidence outlined above, the variant was classified as likely benign.

GeneDx
Classification: Uncertain significance. Last evaluated: 2025-02-25. Review status: criteria provided, single submitter. Criteria: GeneDx Variant Classification Process June 2021. Collection method: clinical testing. Allele origin: germline. Affected: yes.
Comment: Has not been previously published as pathogenic or benign in association with a CASQ2-related disorder to our knowledge; In silico analysis indicates that this missense variant does not alter protein structure/function; This variant is associated with the following publications: (PMID: 28404607)

Labcorp Genetics (formerly Invitae), Labcorp
Classification: Uncertain significance for Catecholaminergic polymorphic ventricular tachycardia 1. Last evaluated: 2025-01-30. Review status: criteria provided, single submitter. Criteria: Invitae Variant Classification Sherloc (09022015). Collection method: clinical testing. Allele origin: germline.
Comment: This sequence change replaces isoleucine, which is neutral and non-polar, with valine, which is neutral and non-polar, at codon 161 of the CASQ2 protein (p.Ile161Val). This variant is present in population databases (rs146333579, gnomAD 0.07%), and has an allele count higher than expected for a pathogenic variant. This variant has not been reported in the literature in individuals affected with CASQ2-related conditions. ClinVar contains an entry for this variant (Variation ID: 44167). Invitae Evidence Modeling of protein sequence and biophysical properties (such as structural, functional, and spatial information, amino acid conservation, physicochemical variation, residue mobility, and thermodynamic stability) has been performed for this missense variant. However, the output from this modeling did not meet the statistical confidence thresholds required to predict the impact of this variant on CASQ2 protein function. In summary, the available evidence is currently insufficient to determine the role of this variant in disease. Therefore, it has been classified as a Variant of Uncertain Significance.

Ambry Genetics
Classification: Likely benign for Cardiovascular phenotype. Last evaluated: 2020-08-19. Review status: criteria provided, single submitter. Criteria: Ambry Variant Classification Scheme 2023. Collection method: clinical testing. Allele origin: germline.

Laboratory for Molecular Medicine, Mass General Brigham Personalized Medicine
Classification: Uncertain significance. Last evaluated: 2012-02-14. Review status: criteria provided, single submitter. Criteria: LMM Criteria. Collection method: clinical testing. Allele origin: germline. Observed: 1 variant allele.
Comment: Variant classified as Uncertain Significance - Favor Benign. The Ile161Val varia nt (CASQ2) has been identified in 3/7020 European American chromosomes from a br oad population by the NHLBI Exome Sequencing Project (du/EVS; dbSNP rs146333579). Computational analyses (biochemical amino acid prope rties, conservation, AlignGVGD, PolyPhen2, and SIFT) suggest that the Ile161Val variant may not impact the protein, though this information is not predictive en ough to rule out pathogenicity. Additional information is needed to fully assess the clinical significance of this variant.

PreventionGenetics, part of Exact Sciences
Classification: Uncertain significance for CASQ2-related condition. Last evaluated: 2024-05-10. Review status: no assertion criteria provided. Collection method: clinical testing. Allele origin: germline. Not counted in ClinVar's aggregate classification.
Comment: The CASQ2 c.481A>G variant is predicted to result in the amino acid substitution p.Ile161Val. To our knowledge, this variant has not been reported in the literature. This variant is reported in 0.074% of alleles in individuals of European (Non-Finnish) descent in gnomAD. Although we suspect that this variant may be benign, at this time, the clinical significance of this variant is uncertain due to the absence of conclusive functional and genetic evidence.

Literature cited by the submitters: PubMed 28404607 (cited by Women's Health and Genetics/Laboratory Corporation of America, LabCorp and Ambry Genetics); PubMed 30775854 (cited by Women's Health and Genetics/Laboratory Corporation of America, LabCorp); PubMed 30700137 (cited by Women's Health and Genetics/Laboratory Corporation of America, LabCorp).

NM_001232.4(CASQ2):c.481A>G (p.Ile161Val)

Gene: CASQ2 (calsequestrin 2; minus strand). Cytogenetic location: 1p13.1.
Variant type: single nucleotide variant.
Coding change: c.481A>G on transcript NM_001232.4 (MANE Select); coding-DNA position 481, A replaced by G.
Protein change: p.Ile161Val; replaces isoleucine 161 with valine.
Molecular consequence: missense variant.
Genome position (GRCh38, 1-based): chr1:115,738,275, T>C on the plus strand (A>G on the coding strand, the complement: CASQ2 is on the minus strand). VCF-style: chr1-115738275-T-C. GRCh37 (hg19) VCF-style: chr1-116280896-T-C.
Other names: short protein forms I161V.
Identifiers: ClinVar variation 44167 (VCV000044167.59), dbSNP rs146333579, ClinGen allele CA133706.